The following is an entry in ClinVar:

NM_001252024.2(TRPM1):c.2366G>A (p.Arg789His)

Gene: TRPM1 (transient receptor potential cation channel subfamily M member 1; minus strand). Cytogenetic location: 15q13.3.
Variant type: single nucleotide variant.
Coding change: c.2366G>A on transcript NM_001252024.2 (MANE Select); coding-DNA position 2366, G replaced by A.
Protein change: p.Arg789His; replaces arginine 789 with histidine.
Molecular consequence: missense variant.
Genome position (GRCh38, 1-based): chr15:31,038,117, C>T on the plus strand (G>A on the coding strand, the complement: TRPM1 is on the minus strand). VCF-style: chr15-31038117-C-T. GRCh37 (hg19) VCF-style: chr15-31330320-C-T.
Other names: c.2417G>A (NM_001252020.1); c.2417G>A, p.Arg806His (NM_001252020.2); c.2300G>A, p.Arg767His (NM_002420.6); short protein forms R767H, R789H, R806H.
Identifiers: ClinVar variation 964793 (VCV000964793.9), dbSNP rs372228723, ClinGen allele CA7452235.

ClinVar aggregate classification (germline): Uncertain significance. Review status: criteria provided, multiple submitters, no conflicts (2 of 4 stars). 3 submissions from 3 submitters: Uncertain significance (3). Last evaluated 2026-07-23.

Conditions:
TRPM1-related disorder. Also called: TRPM1-related condition.

Allele frequency attached by ClinVar (database versions not stated): gnomAD exomes 0.00002; ExAC 0.00003; gnomAD 0.00009 and 0.00010; TOPMed 0.00009; ESP Exome Variant Server 0.00017.
gnomAD v4.1: 31 of 1,613,830 alleles (0.0019%); highest among the groups gnomAD compares: African/African-American, 0.028%; no homozygotes.

Submissions (3):

PreventionGenetics, part of Exact Sciences
Classification: Uncertain significance for TRPM1-related condition. Last evaluated: 2026-07-23. Review status: criteria provided, single submitter. Criteria: ACMG Guidelines, 2015. Collection method: clinical testing. Allele origin: germline.
Comment: The TRPM1 c.2417G>A variant is predicted to result in the amino acid substitution p.Arg806His. To our knowledge, this variant has not been reported in the literature. This variant is reported in 0.029% of alleles in individuals of African descent in gnomAD. At this time, the clinical significance of this variant is uncertain due to the absence of conclusive functional and genetic evidence.

Labcorp Genetics (formerly Invitae), Labcorp
Classification: Uncertain significance. Last evaluated: 2022-09-27. Review status: criteria provided, single submitter. Criteria: Invitae Variant Classification Sherloc (09022015). Collection method: clinical testing. Allele origin: germline.
Comment: This variant has not been reported in the literature in individuals affected with TRPM1-related conditions. In summary, the available evidence is currently insufficient to determine the role of this variant in disease. Therefore, it has been classified as a Variant of Uncertain Significance. Advanced modeling of protein sequence and biophysical properties (such as structural, functional, and spatial information, amino acid conservation, physicochemical variation, residue mobility, and thermodynamic stability) performed at Invitae indicates that this missense variant is not expected to disrupt TRPM1 protein function. ClinVar contains an entry for this variant (Variation ID: 964793). This variant is present in population databases (rs372228723, gnomAD 0.03%). This sequence change replaces arginine, which is basic and polar, with histidine, which is basic and polar, at codon 767 of the TRPM1 protein (p.Arg767His).

Blueprint Genetics
Classification: Uncertain significance. Last evaluated: 2022-03-11. Review status: criteria provided, single submitter. Criteria: ACMG Guidelines, 2015. Collection method: clinical testing. Allele origin: germline.